The following is an entry in ClinVar:

NM_001370259.2(MEN1):c.654+9C>G

Gene: MEN1 (menin 1; minus strand). Cytogenetic location: 11q13.1.
Variant type: single nucleotide variant.
Coding change: c.654+9C>G on transcript NM_001370259.2 (MANE Select); 9 bases into the intron after coding-DNA position 654, C replaced by G.
Molecular consequence: intron variant.
Genome position (GRCh38, 1-based): chr11:64,807,882, G>C on the plus strand (C>G on the coding strand, the complement: MEN1 is on the minus strand). VCF-style: chr11-64807882-G-C. GRCh37 (hg19) VCF-style: chr11-64575354-G-C.
Other names: c.669+9C>G (NM_130804.3, NM_130803.3, NM_000244.4 and 3 more transcripts); c.654+9C>G (NM_130799.3, NM_001370260.2, NM_001370251.2 and 1 more transcripts); c.549+114C>G (NM_001370263.2, NM_001370262.2).
Identifiers: ClinVar variation 527311 (VCV000527311.9), dbSNP rs202134234, ClinGen allele CA658797674.

ClinVar aggregate classification (germline): Likely benign. Review status: criteria provided, multiple submitters, no conflicts (2 of 4 stars). 2 submissions from 2 submitters: Likely benign (2). Last evaluated 2025-09-28.

Conditions:
Multiple endocrine neoplasia, type 1 (MEN1). Also called: MEN I; WERMER SYNDROME; Endocrine adenomatosis multiple; MEN 1; MEA I. Identifiers: Orphanet 652, MedGen C0025267, MeSH D018761, MONDO:0007540, OMIM 131100.

Submissions (2):

Labcorp Genetics (formerly Invitae), Labcorp
Classification: Likely benign for Multiple endocrine neoplasia, type 1. Last evaluated: 2025-09-28. Review status: criteria provided, single submitter. Criteria: Invitae Variant Classification Sherloc (09022015). Collection method: clinical testing. Allele origin: germline.

Myriad Genetics, Inc.
Classification: Likely benign for Multiple endocrine neoplasia, type 1. Last evaluated: 2024-11-01. Review status: criteria provided, single submitter. Criteria: Myriad Autosomal Dominant, Autosomal Recessive and X-Linked Classification Criteria (2023). Collection method: clinical testing. Allele origin: unknown.
Comment: This variant is considered likely benign. This variant is intronic and is not expected to impact mRNA splicing.